The following is an entry in ClinVar:

ClinVar aggregate classification (germline): Uncertain significance (1 of 4 stars; one submission).

Conditions:
Primary ciliary dyskinesia. Also called: Ciliary dyskinesia. Identifiers: Orphanet 244, MedGen C0008780, MONDO:0016575, HP:0012265.

Allele frequency attached by ClinVar (database versions not stated): ExAC 0.00001; TOPMed 0.00003; gnomAD 0.00005.
gnomAD v4.1: 41 of 1,611,788 alleles (0.0025%); highest among the groups gnomAD compares: Non-Finnish European, 0.0035%; no homozygotes.

Submission:

Ambry Genetics
Classification: Uncertain significance for Primary ciliary dyskinesia. Last evaluated: 2024-02-25. Review status: criteria provided, single submitter. Criteria: Ambry Variant Classification Scheme 2023. Collection method: clinical testing. Allele origin: germline.
Comment: The p.N381K variant (also known as c.1143C>A), located in coding exon 9 of the DNAAF3 gene, results from a C to A substitution at nucleotide position 1143. The asparagine at codon 381 is replaced by lysine, an amino acid with similar properties. This amino acid position is conserved. In addition, this alteration is predicted to be tolerated by in silico analysis. Based on the available evidence, the clinical significance of this alteration remains unclear.

NM_001256715.2(DNAAF3):c.939C>A (p.Asn313Lys)

Genes: DNAAF3 (dynein axonemal assembly factor 3; minus strand), DNAAF3-AS1 (DNAAF3 antisense RNA 1; plus strand). Cytogenetic location: 19q13.42.
Variant type: single nucleotide variant.
Coding change: c.939C>A on transcript NM_001256715.2 (MANE Select); coding-DNA position 939, C replaced by A.
Protein change: p.Asn313Lys; replaces asparagine 313 with lysine.
Molecular consequence: missense variant.
Genome position (GRCh38, 1-based): chr19:55,160,749, G>T on the plus strand (C>A on the coding strand, the complement: DNAAF3 is on the minus strand). VCF-style: chr19-55160749-G-T. GRCh37 (hg19) VCF-style: chr19-55672117-G-T.
Other names: c.1143C>A, p.Asn381Lys (NM_001256714.1); c.777C>A, p.Asn259Lys (NM_001256716.2); c.1080C>A, p.Asn360Lys (NM_178837.4); short protein forms N259K, N313K, N360K, N381K.
Identifiers: ClinVar variation 3221472 (VCV003221472.1), dbSNP rs746451553, ClinGen allele CA9668000.